The following is an entry in ClinVar:

ClinVar aggregate classification (germline): Likely pathogenic. Review status: criteria provided, multiple submitters, no conflicts (2 of 4 stars). 2 submissions from 2 submitters: Likely pathogenic (2). Last evaluated 2025-03-26.

Conditions:
Melanoma-pancreatic cancer syndrome. Identifiers: Orphanet 404560, MedGen C1838547, MONDO:0011713, OMIM 606719. Disease mechanism: loss of function.
Familial melanoma. Also called: Hereditary melanoma; Hereditary cutaneous melanoma. Identifiers: Orphanet 618, MedGen C1512419, MONDO:0018961.

Submissions (2):

Labcorp Genetics (formerly Invitae), Labcorp
Classification: Likely pathogenic for Familial melanoma. Last evaluated: 2025-03-26. Review status: criteria provided, single submitter. Criteria: Invitae Variant Classification Sherloc (09022015). Collection method: clinical testing. Allele origin: germline.
Comment: This sequence change affects a donor splice site in intron 1 of the CDKN2A (p16INK4a) gene. It is expected to disrupt RNA splicing. Variants that disrupt the donor or acceptor splice site typically lead to a loss of protein function (PMID: 16199547), and loss-of-function variants in CDKN2A (p16INK4a) are known to be pathogenic (PMID: 15146471, 16905682). This variant is not present in population databases (gnomAD no frequency). This variant has not been reported in the literature in individuals affected with CDKN2A (p16INK4a)-related conditions. ClinVar contains an entry for this variant (Variation ID: 2573287). Algorithms developed to predict the effect of sequence changes on RNA splicing suggest that this variant may disrupt the consensus splice site. In summary, the currently available evidence indicates that the variant is pathogenic, but additional data are needed to prove that conclusively. Therefore, this variant has been classified as Likely Pathogenic.

Myriad Genetics, Inc.
Classification: Likely pathogenic for Melanoma-pancreatic cancer syndrome. Last evaluated: 2023-02-07. Review status: criteria provided, single submitter. Criteria: Myriad Autosomal Dominant, Autosomal Recessive and X-Linked Classification Criteria (2023). Collection method: clinical testing. Allele origin: unknown.
Comment: This variant is considered likely pathogenic. This variant occurs within a consensus splice junction and is predicted to result in abnormal mRNA splicing of either an out-of-frame exon or an in-frame exon necessary for protein stability and/or normal function.

Literature cited by the submitters: PubMed 16199547 (cited by Labcorp Genetics (formerly Invitae), Labcorp); PubMed 15146471 (cited by Labcorp Genetics (formerly Invitae), Labcorp); PubMed 16905682 (cited by Labcorp Genetics (formerly Invitae), Labcorp).

NM_000077.5(CDKN2A):c.150+1G>A

Gene: CDKN2A (cyclin dependent kinase inhibitor 2A; minus strand). Cytogenetic location: 9p21.3.
Variant type: single nucleotide variant.
Coding change: c.150+1G>A on transcript NM_000077.5 (MANE Select); the canonical splice donor site of the intron after coding-DNA position 150, G replaced by A.
Molecular consequence: splice donor variant. On other transcripts: intron variant (2), missense variant (1).
Genome position (GRCh38, 1-based): chr9:21,974,677, C>T on the plus strand (G>A on the coding strand, the complement: CDKN2A is on the minus strand). VCF-style: chr9-21974677-C-T. GRCh37 (hg19) VCF-style: chr9-21974676-C-T.
Other names: c.194-3469G>A (NM_058195.4); c.150+1G>A (NM_001195132.2); c.151G>A, p.Val51Met (NM_058197.5); c.-3-3469G>A (NM_001363763.2); short protein forms V51M.
Identifiers: ClinVar variation 2573287 (VCV002573287.2), dbSNP rs2131111833, ClinGen allele CA373086475.